The following is an entry in ClinVar:

ClinVar aggregate classification (germline): Uncertain significance (1 of 4 stars; one submission).

Submission:

GeneDx
Classification: Uncertain significance. Last evaluated: 2025-01-29. Review status: criteria provided, single submitter. Criteria: GeneDx Variant Classification Process June 2021. Collection method: clinical testing. Allele origin: germline. Affected: yes.
Comment: Not observed at significant frequency in large population cohorts (gnomAD); In silico analysis indicates that this missense variant does not alter protein structure/function; Has not been previously published as pathogenic or benign to our knowledge; Occurs in the triple helical domain at the X position in the canonical Gly-X-Y repeat; although this variant may have an effect on normal protein folding and function, missense substitution at the X position is not a common mechanism of disease

NM_000091.5(COL4A3):c.3922G>T (p.Asp1308Tyr)

Genes: COL4A3 (collagen type IV alpha 3 chain; plus strand), MFF-DT (MFF divergent transcript; minus strand). Cytogenetic location: 2q36.3.
Variant type: single nucleotide variant.
Coding change: c.3922G>T on transcript NM_000091.5 (MANE Select); coding-DNA position 3922, G replaced by T.
Protein change: p.Asp1308Tyr; replaces aspartic acid 1308 with tyrosine.
Molecular consequence: missense variant.
Genome position (GRCh38, 1-based): chr2:227,303,077, G>T. VCF-style: chr2-227303077-G-T. GRCh37 (hg19) VCF-style: chr2-228167793-G-T.
Other names: short protein forms D1308Y.
Identifiers: ClinVar variation 4072615 (VCV004072615.1).